The following is an entry in ClinVar:

NM_001365276.2(TNXB):c.8140A>C (p.Thr2714Pro)

Gene: TNXB (tenascin XB; minus strand). Cytogenetic location: 6p21.33.
Variant type: single nucleotide variant.
Coding change: c.8140A>C on transcript NM_001365276.2 (MANE Select); coding-DNA position 8140, A replaced by C.
Protein change: p.Thr2714Pro; replaces threonine 2714 with proline.
Molecular consequence: missense variant.
Genome position (GRCh38, 1-based): chr6:32,056,589, T>G on the plus strand (A>C on the coding strand, the complement: TNXB is on the minus strand). VCF-style: chr6-32056589-T-G. GRCh37 (hg19) VCF-style: chr6-32024366-T-G.
Other names: c.8881A>C, p.Thr2961Pro (NM_001428335.1); c.8140A>C, p.Thr2714Pro (NM_019105.8); c.8140A>C (NM_019105.6); short protein forms T2714P, T2961P.
Identifiers: ClinVar variation 4881139 (VCV004881139.3).

ClinVar aggregate classification (germline): Uncertain significance. Review status: criteria provided, multiple submitters, no conflicts (2 of 4 stars). 2 submissions from 2 submitters: Uncertain significance (2). Last evaluated 2026-07-17.

Conditions:
Cardiovascular phenotype. Identifiers: MedGen CN230736.

gnomAD v4.1: 8 of 1,612,728 alleles (0.0005%); highest among the groups gnomAD compares: Admixed American, 0.0017%; no homozygotes.

Submissions (2):

Ambry Genetics
Classification: Uncertain significance for Cardiovascular phenotype. Last evaluated: 2026-07-17. Review status: criteria provided, single submitter. Criteria: Ambry Variant Classification Scheme 2023. Collection method: clinical testing. Allele origin: germline.
Comment: The p.T2714P variant (also known as c.8140A>C), located in coding exon 22 of the TNXB gene, results from an A to C substitution at nucleotide position 8140. The threonine at codon 2714 is replaced by proline, an amino acid with highly similar properties. This amino acid position is conserved. In addition, this alteration is predicted to be tolerated by in silico analysis. Based on the available evidence, the clinical significance of this variant remains unclear.

Dasa
Classification: Uncertain significance. Last evaluated: 2025-11-02. Review status: criteria provided, single submitter. Criteria: DASA Assertion Criteria. Collection method: clinical testing. Allele origin: germline.
Comment: NM_001365276.2(TNXB):c.8140A>C (p.Thr2714Pro) is a missense variant that results in the substitution of threonine with proline. This variant is rare in population databases. The currently available literature and clinical evidence are not sufficient to establish a definitive association between this variant and the reported condition. Therefore, this variant is classified as a variant of uncertain significance.